The following is an entry in ClinVar:

ClinVar aggregate classification (germline): Conflicting classifications of pathogenicity. Review status: criteria provided, conflicting classifications (1 of 4 stars). 4 submissions from 4 submitters: Uncertain significance (3); Likely benign (1). Last evaluated 2026-01-27.

Conditions:
ALPK3-related disorder. Also called: ALPK3-related condition.
Cardiovascular phenotype. Identifiers: MedGen CN230736.

Allele frequency attached by ClinVar (database versions not stated): gnomAD 0.00004 and 0.00005; gnomAD exomes 0.00004 and 0.00007; ExAC 0.00006; TOPMed 0.00009.

Submissions (4):

Labcorp Genetics (formerly Invitae), Labcorp
Classification: Uncertain significance. Last evaluated: 2026-01-27. Review status: criteria provided, single submitter. Criteria: Invitae Variant Classification Sherloc (09022015). Collection method: clinical testing. Allele origin: germline.
Comment: This sequence change replaces arginine, which is basic and polar, with tryptophan, which is neutral and slightly polar, at codon 1547 of the ALPK3 protein (p.Arg1547Trp). This variant is present in population databases (rs748989211, gnomAD 0.2%). This variant has not been reported in the literature in individuals affected with ALPK3-related conditions. ClinVar contains an entry for this variant (Variation ID: 1398749). Invitae Evidence Modeling of protein sequence and biophysical properties (such as structural, functional, and spatial information, amino acid conservation, physicochemical variation, residue mobility, and thermodynamic stability) indicates that this missense variant is expected to disrupt ALPK3 protein function with a positive predictive value of 80%. In summary, the available evidence is currently insufficient to determine the role of this variant in disease. Therefore, it has been classified as a Variant of Uncertain Significance.

PreventionGenetics, part of Exact Sciences
Classification: Likely benign for ALPK3-related condition. Last evaluated: 2025-12-21. Review status: criteria provided, single submitter. Criteria: ACMG Guidelines, 2015. Collection method: clinical testing. Allele origin: germline.
Comment: This variant is classified as likely benign based on ACMG/AMP sequence variant interpretation guidelines (Richards et al. 2015 PMID: 25741868, with internal and published modifications).

Ambry Genetics
Classification: Uncertain significance for Cardiovascular phenotype. Last evaluated: 2024-07-29. Review status: criteria provided, single submitter. Criteria: Ambry Variant Classification Scheme 2023. Collection method: clinical testing. Allele origin: germline.
Comment: The p.R1547W variant (also known as c.4639C>T), located in coding exon 8 of the ALPK3 gene, results from a C to T substitution at nucleotide position 4639. The arginine at codon 1547 is replaced by tryptophan, an amino acid with dissimilar properties. This amino acid position is not well conserved in available vertebrate species. In addition, this alteration is predicted to be tolerated by in silico analysis. Based on the available evidence, the clinical significance of this variant remains unclear.

GeneDx
Classification: Uncertain significance. Last evaluated: 2022-10-04. Review status: criteria provided, single submitter. Criteria: GeneDx Variant Classification Process June 2021. Collection method: clinical testing. Allele origin: germline. Affected: yes.
Comment: Has not been previously published as pathogenic or benign to our knowledge; In silico analysis supports that this missense variant does not alter protein structure/function

NM_020778.5(ALPK3):c.4033C>T (p.Arg1345Trp)

Gene: ALPK3 (alpha kinase 3; plus strand). Cytogenetic location: 15q25.3.
Variant type: single nucleotide variant.
Coding change: c.4033C>T on transcript NM_020778.5 (MANE Select); coding-DNA position 4033, C replaced by T.
Protein change: p.Arg1345Trp; replaces arginine 1345 with tryptophan.
Molecular consequence: missense variant.
Genome position (GRCh38, 1-based): chr15:84,859,843, C>T. VCF-style: chr15-84859843-C-T. GRCh37 (hg19) VCF-style: chr15-85403074-C-T.
Other names: short protein forms R1345W.
Identifiers: ClinVar variation 1398749 (VCV001398749.12), dbSNP rs748989211, ClinGen allele CA7709812.